The following is an entry in ClinVar:

NM_019066.5(MAGEL2):c.1330_1335delinsCGA (p.Ile444del)

Gene: MAGEL2 (MAGE family member L2; minus strand). Cytogenetic location: 15q11.2.
Variant type: Indel.
Coding change: c.1330_1335delinsCGA on transcript NM_019066.5 (MANE Select); coding-DNA positions 1330 to 1335, ATCCGC replaced by CGA.
Protein change: p.Ile444del; deletes isoleucine 444.
Molecular consequence: inframe deletion.
Genome position (GRCh38, 1-based): chr15:23,646,408-23,646,413, GCGGAT replaced by TCG on the plus strand (ATCCGC replaced by CGA on the coding strand, the reverse complement: MAGEL2 is on the minus strand). VCF-style: chr15-23646408-GCGGAT-TCG. GRCh37 (hg19) VCF-style: chr15-23891555-GCGGAT-TCG.
Other names: short protein forms I444del.
Identifiers: ClinVar variation 4993428 (VCV004993428.1).
Genomic context (GRCh38, chr15:23,646,408, plus strand): 5'-GATCACAGCGGGGGCCTGGCGGATCACGGGTGGGGCCTGGCGGATCACGGGTGGGGCCTG[GCGGAT>TCG]CACCGGTGGGGCCTGGCGGATCAGCGGTGGGGCCTGTCGCACCGGTGGTGGGCCAGGGCG-3'

ClinVar aggregate classification (germline): Uncertain significance (1 of 4 stars; one submission).

Conditions:
MAGEL2-related disorder. Also called: MAGEL2-related condition.

Submission:

PreventionGenetics, part of Exact Sciences
Classification: Uncertain significance for MAGEL2-related condition. Last evaluated: 2026-02-23. Review status: criteria provided, single submitter. Criteria: ACMG Guidelines, 2015. Collection method: clinical testing. Allele origin: germline.
Comment: The MAGEL2 c.1330_1335delinsCGA variant is predicted to result in an in-frame deletion and insertion. To our knowledge, this variant has not been reported in the literature or in a large population database (gnomAD), indicating this variant is rare. At this time, the clinical significance of this variant is uncertain due to the absence of conclusive functional and genetic evidence.